The following is an entry in ClinVar:

ClinVar aggregate classification (germline): Uncertain significance (1 of 4 stars; one submission).

Submission:

GeneDx
Classification: Uncertain significance. Last evaluated: 2017-07-07. Review status: criteria provided, single submitter. Criteria: GeneDx Variant Classification (06012015). Collection method: clinical testing. Allele origin: germline. Affected: yes.
Comment: The c.1024_1028delAAGGAinsGAGGC variant in the PIEZO1 gene has not been reported previously as a pathogenic variant nor as a benign variant, to our knowledge. The c.1024_1028delAAGGAinsGAGGC variant results in the in-frame substitution of two amino acids, denoted p.Lys342_Glu343delinsGluAla. The c.1024_1028delAAGGAinsGAGGC variant is not observed in large population cohorts (Lek et al., 2016; 1000 Genomes Consortium et al., 2015; Exome Variant Server). We interpret c.1024_1028delAAGGAinsGAGGC as a variant of uncertain significance.

NM_001142864.4(PIEZO1):c.1024_1028delinsGAGGC (p.Lys342_Glu343delinsGluAla)

Genes: PIEZO1 (piezo type mechanosensitive ion channel component 1; minus strand), LOC100289580 (uncharacterized LOC100289580; plus strand). Cytogenetic location: 16q24.3.
Variant type: Indel.
Coding change: c.1024_1028delinsGAGGC on transcript NM_001142864.4 (MANE Select); coding-DNA positions 1024 to 1028, AAGGA replaced by GAGGC.
Protein change: p.Lys342_Glu343delinsGluAla.
Molecular consequence: missense variant.
Genome position (GRCh38, 1-based): chr16:88,737,807-88,737,811, TCCTT replaced by GCCTC on the plus strand (AAGGA replaced by GAGGC on the coding strand, the reverse complement: PIEZO1 is on the minus strand). VCF-style: chr16-88737807-TCCTT-GCCTC. GRCh37 (hg19) VCF-style: chr16-88804215-TCCTT-GCCTC.
Other names: c.1024_1028delinsGAGGC, p.Lys342_Glu343delinsGluAla (LRG_1137t1).
Identifiers: ClinVar variation 450569 (VCV000450569.1), dbSNP rs1555556846, ClinGen allele CA658658512.